The following is an entry in ClinVar:

NM_170682.4(P2RX2):c.1226G>A (p.Arg409His)

Gene: P2RX2 (purinergic receptor P2X 2; plus strand). Cytogenetic location: 12q24.33.
Variant type: single nucleotide variant.
Coding change: c.1226G>A on transcript NM_170682.4 (MANE Select); coding-DNA position 1226, G replaced by A.
Protein change: p.Arg409His; replaces arginine 409 with histidine.
Molecular consequence: missense variant. On other transcripts: 3 prime UTR variant (1), intron variant (2).
Genome position (GRCh38, 1-based): chr12:132,621,782, G>A. VCF-style: chr12-132621782-G-A. GRCh37 (hg19) VCF-style: chr12-133198368-G-A.
Other names: c.1304G>A (NM_170683.3); c.*273G>A (NM_001282165.2); c.1010G>A, p.Arg337His (NM_012226.5); c.1154G>A, p.Arg385His (NM_016318.4); c.1304G>A, p.Arg435His (NM_170683.4); c.950G>A, p.Arg317His (NM_174872.3); c.1140+86G>A (NM_174873.3); c.1038+86G>A (NM_001282164.2); short protein forms R435H, R317H, R337H, R385H, R409H.
Identifiers: ClinVar variation 3412976 (VCV003412976.2).

ClinVar aggregate classification (germline): Uncertain significance. Review status: criteria provided, multiple submitters, no conflicts (2 of 4 stars). 2 submissions from 2 submitters: Uncertain significance (2). Last evaluated 2025-07-08.

Conditions:
P2RX2-related disorder. Also called: P2RX2-related condition.

gnomAD v4.1: 42 of 1,600,198 alleles (0.0026%); highest among the groups gnomAD compares: Admixed American, 0.0085%; no homozygotes.

Submissions (2):

PreventionGenetics, part of Exact Sciences
Classification: Uncertain significance for P2RX2-related condition. Last evaluated: 2025-07-08. Review status: criteria provided, single submitter. Criteria: ACMG Guidelines, 2015. Collection method: clinical testing. Allele origin: germline.
Comment: The P2RX2 c.1304G>A variant is predicted to result in the amino acid substitution p.Arg435His. To our knowledge, this variant has not been reported in the literature. This variant is reported in 0.0064% of alleles in individuals of European (Non-Finnish) descent in gnomAD. At this time, the clinical significance of this variant is uncertain due to the absence of conclusive functional and genetic evidence.

Ambry Genetics
Classification: Uncertain significance. Last evaluated: 2024-09-04. Review status: criteria provided, single submitter. Criteria: Ambry Variant Classification Scheme 2023. Collection method: clinical testing. Allele origin: germline.